The following is an entry in ClinVar:

NM_000256.3(MYBPC3):c.866_905+1del

Gene: MYBPC3 (myosin binding protein C3; minus strand). Cytogenetic location: 11p11.2.
Variant type: Deletion.
Coding change: c.866_905+1del on transcript NM_000256.3 (MANE Select); coding-DNA position 866 through the canonical splice donor site of the intron after coding-DNA position 905, 41 bases deleted.
Molecular consequence: splice donor variant.
Genome position (GRCh38, 1-based): chr11:47,347,425-47,347,465, 41 bases deleted; deleting any 41 consecutive bases within chr11:47,347,425-47,347,469 gives the same sequence; the c. name uses the placement nearest the transcript's 3' end. GRCh37 (hg19): chr11:47,368,980-47,369,020.
Other names: c.865_905del (NM_000256.3).
Identifiers: ClinVar variation 5007627 (VCV005007627.2).
Genomic context (GRCh38, chr11:47,347,424, plus strand): 5'-CAGTGCTGGGATTTGGAGCCAGGCCTCACCAGCTGCCCCAGGAACTGCCACCCAGGACTC[ACCTCTTTTTCAGCAGTGAGCTGAAGTCCAGAATCCCAGTGT>A]CCTCATGGCTATCACTATGGAGAGGGACCCCCAGTGAGGCTGCAGTGAGGGACTGGAAAG-3'

ClinVar aggregate classification (germline): Likely pathogenic (1 of 4 stars; one submission).

Conditions:
Hypertrophic cardiomyopathy 4. Also called: Familial hypertrophic cardiomyopathy 4. Identifiers: MedGen C1861862, MONDO:0007268, OMIM 115197.

Submission:

Juno Genomics, Hangzhou Juno Genomics, Inc
Classification: Likely pathogenic for Hypertrophic cardiomyopathy 4. Review status: criteria provided, single submitter. Criteria: ACMG Guidelines, 2015. Collection method: clinical testing. Allele origin: germline.
Comment: Null variant in a gene where loss of function (LOF) is a known mechanism of disease.;Absent from controls (or at extremely low frequency if recessive) in Genome Aggregation Database.